The following is an entry in ClinVar:

NM_001040108.2(MLH3):c.3362T>C (p.Met1121Thr)

Gene: MLH3 (mutL homolog 3; minus strand). Cytogenetic location: 14q24.3.
Variant type: single nucleotide variant.
Coding change: c.3362T>C on transcript NM_001040108.2 (MANE Select); coding-DNA position 3362, T replaced by C.
Protein change: p.Met1121Thr; replaces methionine 1121 with threonine.
Molecular consequence: missense variant.
Genome position (GRCh38, 1-based): chr14:75,042,396, A>G on the plus strand (T>C on the coding strand, the complement: MLH3 is on the minus strand). VCF-style: chr14-75042396-A-G. GRCh37 (hg19) VCF-style: chr14-75509099-A-G.
Other names: c.3362T>C, p.Met1121Thr (NM_014381.3); short protein forms M1121T.
Identifiers: ClinVar variation 3232537 (VCV003232537.1), dbSNP rs2503219806, ClinGen allele CA390431754.

ClinVar aggregate classification (germline): Uncertain significance (1 of 4 stars; one submission).

Submission:

Ambry Genetics
Classification: Uncertain significance. Last evaluated: 2024-03-02. Review status: criteria provided, single submitter. Criteria: Ambry Variant Classification Scheme 2023. Collection method: clinical testing. Allele origin: germline.
Comment: The p.M1121T variant (also known as c.3362T>C), located in coding exon 2 of the MLH3 gene, results from a T to C substitution at nucleotide position 3362. The methionine at codon 1121 is replaced by threonine, an amino acid with similar properties. This amino acid position is conserved. In addition, this alteration is predicted to be tolerated by in silico analysis. Based on the available evidence, the clinical significance of this alteration remains unclear.